The following is an entry in ClinVar:

ClinVar aggregate classification (germline): Likely benign (1 of 4 stars; one submission).

Conditions:
SEMA3B-related disorder. Also called: SEMA3B-related condition.

Submission:

PreventionGenetics, part of Exact Sciences
Classification: Likely benign for SEMA3B-related condition. Last evaluated: 2025-02-12. Review status: criteria provided, single submitter. Criteria: ACMG Guidelines, 2015. Collection method: clinical testing. Allele origin: germline.
Comment: This variant is classified as likely benign based on ACMG/AMP sequence variant interpretation guidelines (Richards et al. 2015 PMID: 25741868, with internal and published modifications).

NM_001290060.2(SEMA3B):c.1649+7G>T

Gene: SEMA3B (semaphorin 3B; plus strand). Cytogenetic location: 3p21.31.
Variant type: single nucleotide variant.
Coding change: c.1649+7G>T on transcript NM_001290060.2 (MANE Select); 7 bases into the intron after coding-DNA position 1649, G replaced by T.
Molecular consequence: intron variant.
Genome position (GRCh38, 1-based): chr3:50,275,466, G>T. VCF-style: chr3-50275466-G-T. GRCh37 (hg19) VCF-style: chr3-50312897-G-T.
Other names: c.1646+7G>T (NM_001435958.1, NM_001435957.1, NM_001005914.3); c.1649+7G>T (NM_001435956.1, NM_004636.4); c.1664+7G>T (NM_001290061.1); c.620+7G>T (NM_001290062.2, NM_001290063.2).
Identifiers: ClinVar variation 5002358 (VCV005002358.1).